The following is an entry in ClinVar:

ClinVar aggregate classification (germline): Likely benign. Review status: criteria provided, single submitter (1 of 4 stars). 2 submissions from 2 submitters: Likely benign (1). 1 of the submissions does not count toward it. Last evaluated 2021-06-17.

Conditions:
Menkes kinky-hair syndrome (MNK). Also called: Copper transport disease; Classic Menkes Disease; Menkes Disease. Identifiers: Orphanet 565, MedGen C0022716, MONDO:0010651, OMIM 309400.
Cutis laxa, X-linked (OHS). Also called: EDS IX; Occipital horn syndrome. Identifiers: Orphanet 198, MedGen C0268353, MONDO:0010572, OMIM 304150.
X-linked distal spinal muscular atrophy type 3. Also called: SPINAL MUSCULAR ATROPHY, DISTAL, X-LINKED RECESSIVE; ATP7A-Related Distal Motor Neuropathy; NEURONOPATHY, DISTAL HEREDITARY MOTOR, X-LINKED; NEUROPATHY, DISTAL HEREDITARY MOTOR, X-LINKED. Identifiers: Orphanet 139557, MedGen C1845359, MONDO:0010338, OMIM 300489.
ATP7A-related disorder. Also called: ATP7A-related condition.

Submissions (2):

Labcorp Genetics (formerly Invitae), Labcorp
Classification: Likely benign for X-linked distal spinal muscular atrophy type 3; Cutis laxa, X-linked; Menkes kinky-hair syndrome. Last evaluated: 2021-06-17. Review status: criteria provided, single submitter. Criteria: Invitae Variant Classification Sherloc (09022015). Collection method: clinical testing. Allele origin: germline.

PreventionGenetics, part of Exact Sciences
Classification: Likely benign for ATP7A-related condition. Last evaluated: 2024-08-23. Review status: no assertion criteria provided. Collection method: clinical testing. Allele origin: germline. Not counted in ClinVar's aggregate classification.
Comment: This variant is classified as likely benign based on ACMG/AMP sequence variant interpretation guidelines (Richards et al. 2015 PMID: 25741868, with internal and published modifications).

NM_000052.7(ATP7A):c.3357T>A (p.Ile1119=)

Gene: ATP7A (ATPase copper transporting alpha; plus strand). Cytogenetic location: Xq21.1.
Variant type: single nucleotide variant.
Coding change: c.3357T>A on transcript NM_000052.7 (MANE Select); coding-DNA position 3357, T replaced by A.
Protein change: p.Ile1119=; no amino-acid change (isoleucine 1119 retained).
Molecular consequence: synonymous variant. On other transcripts: non-coding transcript variant (1).
Genome position (GRCh38, 1-based): chrX:78,033,667, T>A. VCF-style: chrX-78033667-T-A. GRCh37 (hg19) VCF-style: chrX-77289165-T-A.
Other names: c.3123T>A, p.Ile1041= (NM_001282224.2); c.3357T>A (NM_000052.6).
Identifiers: ClinVar variation 1666272 (VCV001666272.9), dbSNP rs2149107179, ClinGen allele CA517073647.
Genomic context (GRCh38, chrX:78,033,667, plus strand): 5'-GCTGGACACTGAAACCTTGGGTACCTGCATAGATTTCCAGGTTGTGCCAGGCTGTGGTAT[T>A]AGCTGTAAAGTCACCAATATTGAAGGCTTGCTACATAAGAATAACTGGAATATAGAGGAC-3'
Protein context (NP_000043.4, residues 1109-1129): IDFQVVPGCG[Ile1119=]SCKVTNIEGL